The following is an entry in ClinVar:

NM_007294.4(BRCA1):c.125T>A (p.Ile42Lys)

Gene: BRCA1 (BRCA1 DNA repair associated; minus strand). Cytogenetic location: 17q21.31.
Variant type: single nucleotide variant.
Coding change: c.125T>A on transcript NM_007294.4 (MANE Select); coding-DNA position 125, T replaced by A.
Protein change: p.Ile42Lys; replaces isoleucine 42 with lysine.
Molecular consequence: missense variant. On other transcripts: non-coding transcript variant (1), intron variant (1).
Genome position (GRCh38, 1-based): chr17:43,115,735, A>T on the plus strand (T>A on the coding strand, the complement: BRCA1 is on the minus strand). VCF-style: chr17-43115735-A-T. GRCh37 (hg19) VCF-style: chr17-41267752-A-T.
Other names: c.-64T>A (NM_001407571.1, NM_001407917.1, NM_001407918.1 and 52 more transcripts); c.125T>A, p.Ile42Lys (NM_001407581.1, NM_001407582.1, NM_001407583.1 and 192 more transcripts); c.-133T>A (NM_001407694.1, NM_001407696.1, NM_001407724.1 and 13 more transcripts); c.-137T>A (NM_001407695.1, NM_001408465.1); c.-17T>A (NM_001407697.1, NM_001407725.1, NM_001407728.1 and 47 more transcripts); c.-13T>A (NM_001407841.1); c.-180T>A (NM_001407889.1, NM_001407900.1, NM_001408492.1); c.-179T>A (NM_001407960.1, NM_001407962.1, NM_001408510.1 and 1 more transcripts); and 2 more; short protein forms I42K.
Identifiers: ClinVar variation 867505 (VCV000867505.3), dbSNP rs2055246954, ClinGen allele CA10601909.

Conditions:
Breast-ovarian cancer, familial, susceptibility to, 1 (BROVCA1). Also called: BRCA1 Hereditary Breast and Ovarian Cancer; OVARIAN CANCER, SUSCEPTIBILITY TO. Identifiers: Orphanet 145, MedGen C2676676, MONDO:0011450, OMIM 604370. Disease mechanism: loss of function.

Submission:

Brotman Baty Institute, University of Washington
No classification provided (evidence only). Condition: Breast-ovarian cancer, familial 1. Review status: no classification provided. Collection method: in vitro. Allele origin: not applicable. Functional consequence: functionally_normal.
ClinVar note: "not provided" was previously submitted as the classification for the variant. However, the classification appeared to be based only on an observation of functional data so it was converted to no classification on 2025-07-30.